The following is an entry in ClinVar:

NM_014762.4(DHCR24):c.737G>A (p.Arg246Gln)

Gene: DHCR24 (24-dehydrocholesterol reductase; minus strand). Cytogenetic location: 1p32.3.
Variant type: single nucleotide variant.
Coding change: c.737G>A on transcript NM_014762.4 (MANE Select); coding-DNA position 737, G replaced by A.
Protein change: p.Arg246Gln; replaces arginine 246 with glutamine.
Molecular consequence: missense variant.
Genome position (GRCh38, 1-based): chr1:54,871,489, C>T on the plus strand (G>A on the coding strand, the complement: DHCR24 is on the minus strand). VCF-style: chr1-54871489-C-T. GRCh37 (hg19) VCF-style: chr1-55337162-C-T.
Other names: short protein forms R246Q.
Identifiers: ClinVar variation 1979138 (VCV001979138.2), dbSNP rs147656722, ClinGen allele CA870737.

ClinVar aggregate classification (germline): Conflicting classifications of pathogenicity. Review status: criteria provided, conflicting classifications (1 of 4 stars). 2 submissions from 2 submitters: Uncertain significance (1); Likely benign (1). Last evaluated 2022-06-23.

Conditions:
Inborn genetic diseases. Identifiers: MedGen C0950123, MeSH D030342.

Allele frequency attached by ClinVar (database versions not stated): gnomAD exomes 0.00002; TOPMed 0.00002; gnomAD 0.00003; ExAC 0.00004; ESP Exome Variant Server 0.00008; 1000 Genomes Project 30x 0.00031.

Submissions (2):

Labcorp Genetics (formerly Invitae), Labcorp
Classification: Uncertain significance. Last evaluated: 2022-06-23. Review status: criteria provided, single submitter. Criteria: Invitae Variant Classification Sherloc (09022015). Collection method: clinical testing. Allele origin: germline.
Comment: This sequence change replaces arginine, which is basic and polar, with glutamine, which is neutral and polar, at codon 246 of the DHCR24 protein (p.Arg246Gln). This variant is present in population databases (rs147656722, gnomAD 0.003%). This variant has not been reported in the literature in individuals affected with DHCR24-related conditions. Algorithms developed to predict the effect of missense changes on protein structure and function output the following: SIFT: "Tolerated"; PolyPhen-2: "Benign"; Align-GVGD: "Class C0". The glutamine amino acid residue is found in multiple mammalian species, which suggests that this missense change does not adversely affect protein function. In summary, the available evidence is currently insufficient to determine the role of this variant in disease. Therefore, it has been classified as a Variant of Uncertain Significance.

Ambry Genetics
Classification: Likely benign for Inborn genetic diseases. Last evaluated: 2022-04-22. Review status: criteria provided, single submitter. Criteria: Ambry Variant Classification Scheme 2023. Collection method: clinical testing. Allele origin: germline.